The following is an entry in ClinVar:

NM_003200.5(TCF3):c.694G>T (p.Gly232Cys)

Gene: TCF3 (transcription factor 3; minus strand). Cytogenetic location: 19p13.3.
Variant type: single nucleotide variant.
Coding change: c.694G>T on transcript NM_003200.5 (MANE Select); coding-DNA position 694, G replaced by T.
Protein change: p.Gly232Cys; replaces glycine 232 with cysteine.
Molecular consequence: missense variant.
Genome position (GRCh38, 1-based): chr19:1,622,182, C>A on the plus strand (G>T on the coding strand, the complement: TCF3 is on the minus strand). VCF-style: chr19-1622182-C-A. GRCh37 (hg19) VCF-style: chr19-1622181-C-A.
Other names: c.694G>T, p.Gly232Cys (NM_001136139.4, NM_001351778.2, NM_001351779.2); short protein forms G232C.
Identifiers: ClinVar variation 2977333 (VCV002977333.3), dbSNP rs778016789, ClinGen allele CA403055845.
Genomic context (GRCh38, chr19:1,622,182, plus strand): 5'-CGGGCGGGAGGGGCAGCGGGGATGAGCCCCCACCCAGCATGGGCCCGAAGCCCGCCTGGC[C>A]CGGGGGACTCCAGAGCTCGGCTGAGGGGTGCAGGCTGCCATCTGTGGAGGGGAGCTGGTA-3'
Protein context (NP_003191.1, residues 222-242): HPSAELWSPP[Gly232Cys]QAGFGPMLGG

ClinVar aggregate classification (germline): Uncertain significance (1 of 4 stars; one submission).

gnomAD v4.1: 3 of 1,567,516 alleles (0.00019%); highest among the groups gnomAD compares: East Asian, 0.0023%; no homozygotes.

Submission:

Labcorp Genetics (formerly Invitae), Labcorp
Classification: Uncertain significance. Last evaluated: 2023-02-26. Review status: criteria provided, single submitter. Criteria: Invitae Variant Classification Sherloc (09022015). Collection method: clinical testing. Allele origin: germline.
Comment: In summary, the available evidence is currently insufficient to determine the role of this variant in disease. Therefore, it has been classified as a Variant of Uncertain Significance. This sequence change replaces glycine, which is neutral and non-polar, with cysteine, which is neutral and slightly polar, at codon 232 of the TCF3 protein (p.Gly232Cys). This variant is present in population databases (no rsID available, gnomAD 0.007%). This variant has not been reported in the literature in individuals affected with TCF3-related conditions. Advanced modeling of protein sequence and biophysical properties (such as structural, functional, and spatial information, amino acid conservation, physicochemical variation, residue mobility, and thermodynamic stability) performed at Invitae indicates that this missense variant is expected to disrupt TCF3 protein function.